The following is an entry in ClinVar:

NM_015340.4(LARS2):c.2680A>G (p.Thr894Ala)

Gene: LARS2 (leucyl-tRNA synthetase 2, mitochondrial; plus strand). Cytogenetic location: 3p21.31.
Variant type: single nucleotide variant.
Coding change: c.2680A>G on transcript NM_015340.4 (MANE Select); coding-DNA position 2680, A replaced by G.
Protein change: p.Thr894Ala; replaces threonine 894 with alanine.
Molecular consequence: missense variant.
Genome position (GRCh38, 1-based): chr3:45,547,498, A>G. VCF-style: chr3-45547498-A-G. GRCh37 (hg19) VCF-style: chr3-45588990-A-G.
Other names: c.2680A>G, p.Thr894Ala (NM_001368263.1); short protein forms T894A.
Identifiers: ClinVar variation 4702066 (VCV004702066.1).
Genomic context (GRCh38, chr3:45,547,498, plus strand): 5'-GAGCTGGGTGTCAGGCTTTTGCAAGGACGAAGCATCAAGAAGTCCTTCCTTTCCCCGAGA[A>G]CTGCCCTCATCAACTTCCTGGTGCAAGATTGACAGCCAGGAGGCTGCAGCTACCACGAGG-3'
Protein context (NP_056155.1, residues 884-903): SIKKSFLSPR[Thr894Ala]ALINFLVQD

ClinVar aggregate classification (germline): Uncertain significance (1 of 4 stars; one submission).

gnomAD v4.1: 3 of 1,610,418 alleles (0.00019%); highest among the groups gnomAD compares: African/African-American, 0.004%; no homozygotes.

Submission:

Labcorp Genetics (formerly Invitae), Labcorp
Classification: Uncertain significance. Last evaluated: 2025-12-09. Review status: criteria provided, single submitter. Criteria: Invitae Variant Classification Sherloc (09022015). Collection method: clinical testing. Allele origin: germline.
Comment: This sequence change replaces threonine, which is neutral and polar, with alanine, which is neutral and non-polar, at codon 894 of the LARS2 protein (p.Thr894Ala). This variant is present in population databases (no rsID available, gnomAD 0.007%). This variant has not been reported in the literature in individuals affected with LARS2-related conditions. An algorithm developed to predict the effect of missense changes on protein structure and function (PolyPhen-2) suggests that this variant is likely to be tolerated. In summary, the available evidence is currently insufficient to determine the role of this variant in disease. Therefore, it has been classified as a Variant of Uncertain Significance.